The following is an entry in ClinVar:

NM_000379.4(XDH):c.1868C>T (p.Thr623Ile)

Gene: XDH (xanthine dehydrogenase; minus strand). Cytogenetic location: 2p23.1.
Variant type: single nucleotide variant.
Coding change: c.1868C>T on transcript NM_000379.4 (MANE Select); coding-DNA position 1868, C replaced by T.
Protein change: p.Thr623Ile; replaces threonine 623 with isoleucine.
Molecular consequence: missense variant.
Genome position (GRCh38, 1-based): chr2:31,370,467, G>A on the plus strand (C>T on the coding strand, the complement: XDH is on the minus strand). VCF-style: chr2-31370467-G-A. GRCh37 (hg19) VCF-style: chr2-31593333-G-A.
Other names: p.Thr623Ile; short protein forms T623I.
Identifiers: ClinVar variation 790933 (VCV000790933.18), dbSNP rs45448694, ClinGen allele CA1599045.

ClinVar aggregate classification (germline): Conflicting classifications of pathogenicity. Review status: criteria provided, conflicting classifications (1 of 4 stars). 7 submissions from 7 submitters: Uncertain significance (2); Likely benign (3). 2 of the submissions do not count toward it. Last evaluated 2026-01-15.

Conditions:
Xanthinuria type II. Also called: Xanthine dehydrogenase and aldehyde oxidase combined deficiency of; XDH and AOX dual deficiency. Identifiers: Orphanet 3467, Orphanet 93602, MedGen C1863688, MONDO:0011346, OMIM 603592.
Hereditary xanthinuria type 1 (XAN1). Identifiers: Orphanet 3467, Orphanet 93601, MedGen C0268118, MONDO:0010209, OMIM 278300.

Allele frequency attached by ClinVar (database versions not stated): ExAC 0.00105; gnomAD exomes 0.00115; gnomAD 0.00137; ESP Exome Variant Server 0.00192; TOPMed 0.00206; 1000 Genomes Project 0.00280; 1000 Genomes Project 30x 0.00297.
gnomAD v4.1: 1,286 of 1,614,146 alleles (0.08%); highest among the groups gnomAD compares: Middle Eastern, 0.64%; 3 homozygotes.

Submissions (7):

Labcorp Genetics (formerly Invitae), Labcorp
Classification: Likely benign for Xanthinuria type II. Last evaluated: 2026-01-15. Review status: criteria provided, single submitter. Criteria: Invitae Variant Classification Sherloc (09022015). Collection method: clinical testing. Allele origin: germline.

Mayo Clinic Laboratories, Mayo Clinic
Classification: Likely benign. Last evaluated: 2025-03-18. Review status: criteria provided, single submitter. Criteria: ACMG Guidelines, 2015. Collection method: clinical testing. Allele origin: germline. Observed: 1 variant allele.
Comment: BS1, BS2_supporting, BP4_moderate

Blueprint Genetics
Classification: Likely benign. Last evaluated: 2024-10-22. Review status: criteria provided, single submitter. Criteria: ACMG Guidelines, 2015. Collection method: clinical testing. Allele origin: germline.

GeneDx
Classification: Uncertain significance. Last evaluated: 2024-02-16. Review status: criteria provided, single submitter. Criteria: GeneDx Variant Classification Process June 2021. Collection method: clinical testing. Allele origin: germline. Affected: yes.
Comment: Published functional studies showed reduced enzyme activity compared to wild-type in COS-7 cells (PMID: 18300946); In silico analysis supports that this missense variant does not alter protein structure/function; This variant is associated with the following publications: (PMID: 18300946)

Illumina Laboratory Services, Illumina
Classification: Uncertain significance for Hereditary xanthinuria type 1. Last evaluated: 2017-04-27. Review status: criteria provided, single submitter. Criteria: ICSL Variant Classification Criteria 13 December 2019. Collection method: clinical testing. Allele origin: germline.
Comment: This variant was observed as part of a predisposition screen in an ostensibly healthy population. A literature search was performed for the gene, cDNA change, and amino acid change (where applicable). Publications were found based on this search. However, the evidence from the literature, in combination with allele frequency data from public databases where available, was not sufficient to rule this variant in or out of causing disease. Therefore, this variant is classified as a variant of unknown significance.

Clinical Genetics DNA and cytogenetics Diagnostics Lab, Erasmus MC, Erasmus Medical Center
Classification: Likely benign. Review status: no assertion criteria provided. Collection method: clinical testing. Allele origin: germline. Affected: yes. Study: VKGL Data-share Consensus. Not counted in ClinVar's aggregate classification.

Genome Diagnostics Laboratory, University Medical Center Utrecht
Classification: Likely benign. Review status: no assertion criteria provided. Collection method: clinical testing. Allele origin: germline. Affected: yes. Study: VKGL Data-share Consensus. Not counted in ClinVar's aggregate classification.

Literature cited by the submitters: PubMed 18300946 (cited by Mayo Clinic Laboratories, Mayo Clinic and Illumina Laboratory Services, Illumina); PubMed 20814157 (cited by Mayo Clinic Laboratories, Mayo Clinic); PubMed 23203137 (cited by Mayo Clinic Laboratories, Mayo Clinic and Illumina Laboratory Services, Illumina).